The following is an entry in ClinVar:

ClinVar aggregate classification (germline): Uncertain significance (1 of 4 stars; one submission).

Conditions:
SYT2-related disorder. Also called: SYT2-related condition.

gnomAD v4.1: 1 of 1,614,096 alleles (0.000062%); highest among the groups gnomAD compares: East Asian, 0.0022%; no homozygotes.

Submission:

PreventionGenetics, part of Exact Sciences
Classification: Uncertain significance for SYT2-related condition. Last evaluated: 2026-02-21. Review status: criteria provided, single submitter. Criteria: ACMG Guidelines, 2015. Collection method: clinical testing. Allele origin: germline.
Comment: The SYT2 c.340G>T variant is predicted to result in the amino acid substitution p.Gly114Cys. To our knowledge, this variant has not been reported in the literature. This variant is reported in 0.0054% of alleles in individuals of East Asian descent in gnomAD. At this time, the clinical significance of this variant is uncertain due to the absence of conclusive functional and genetic evidence.

NM_177402.5(SYT2):c.340G>T (p.Gly114Cys)

Gene: SYT2 (synaptotagmin 2; minus strand). Cytogenetic location: 1q32.1.
Variant type: single nucleotide variant.
Coding change: c.340G>T on transcript NM_177402.5 (MANE Select); coding-DNA position 340, G replaced by T.
Protein change: p.Gly114Cys; replaces glycine 114 with cysteine.
Molecular consequence: missense variant.
Genome position (GRCh38, 1-based): chr1:202,604,460, C>A on the plus strand (G>T on the coding strand, the complement: SYT2 is on the minus strand). VCF-style: chr1-202604460-C-A. GRCh37 (hg19) VCF-style: chr1-202573588-C-A.
Other names: c.340G>T, p.Gly114Cys (NM_001136504.1); short protein forms G114C.
Identifiers: ClinVar variation 5002634 (VCV005002634.1).